The following is an entry in ClinVar:

NM_006231.4(POLE):c.1162G>A (p.Gly388Ser)

Gene: POLE (DNA polymerase epsilon, catalytic subunit; minus strand). Cytogenetic location: 12q24.33.
Variant type: single nucleotide variant.
Coding change: c.1162G>A on transcript NM_006231.4 (MANE Select); coding-DNA position 1162, G replaced by A.
Protein change: p.Gly388Ser; replaces glycine 388 with serine.
Molecular consequence: missense variant.
Genome position (GRCh38, 1-based): chr12:132,675,462, C>T on the plus strand (G>A on the coding strand, the complement: POLE is on the minus strand). VCF-style: chr12-132675462-C-T. GRCh37 (hg19) VCF-style: chr12-133252048-C-T.
Other names: short protein forms G388S.
Identifiers: ClinVar variation 1027198 (VCV001027198.11), dbSNP rs2043025299, ClinGen allele CA387360952.

ClinVar aggregate classification (germline): Uncertain significance. Review status: criteria provided, multiple submitters, no conflicts (2 of 4 stars). 2 submissions from 2 submitters: Uncertain significance (2). Last evaluated 2025-12-16.

Conditions:
Hereditary cancer-predisposing syndrome. Also called: Neoplastic Syndromes, Hereditary; Tumor predisposition; Hereditary Cancer Syndrome; Hereditary neoplastic syndrome. Identifiers: Orphanet 140162, MedGen C0027672, MeSH D009386, MONDO:0015356.

Allele frequency attached by ClinVar (database versions not stated): gnomAD exomes below 0.00001.
gnomAD v4.1: 2 of 1,614,180 alleles (0.00012%); highest among the groups gnomAD compares: Non-Finnish European, 0.00017%; no homozygotes.

Submissions (2):

Labcorp Genetics (formerly Invitae), Labcorp
Classification: Uncertain significance. Last evaluated: 2025-12-16. Review status: criteria provided, single submitter. Criteria: Invitae Variant Classification Sherloc (09022015). Collection method: clinical testing. Allele origin: germline.
Comment: This sequence change replaces glycine, which is neutral and non-polar, with serine, which is neutral and polar, at codon 388 of the POLE protein (p.Gly388Ser). This variant is not present in population databases (gnomAD no frequency). This variant has not been reported in the literature in individuals affected with POLE-related conditions. ClinVar contains an entry for this variant (Variation ID: 1027198). Invitae Evidence Modeling of protein sequence and biophysical properties (such as structural, functional, and spatial information, amino acid conservation, physicochemical variation, residue mobility, and thermodynamic stability) indicates that this missense variant is expected to disrupt POLE protein function with a positive predictive value of 80%. In summary, the available evidence is currently insufficient to determine the role of this variant in disease. Therefore, it has been classified as a Variant of Uncertain Significance.

Ambry Genetics
Classification: Uncertain significance for Hereditary cancer-predisposing syndrome. Last evaluated: 2021-12-29. Review status: criteria provided, single submitter. Criteria: Ambry Variant Classification Scheme 2023. Collection method: clinical testing. Allele origin: germline.
Comment: The p.G388S variant (also known as c.1162G>A), located in coding exon 12 of the POLE gene, results from a G to A substitution at nucleotide position 1162. The glycine at codon 388 is replaced by serine, an amino acid with similar properties. This amino acid position is conserved. In addition, the in silico prediction for this alteration is inconclusive. Since supporting evidence is limited at this time, the clinical significance of this alteration remains unclear.